The following is an entry in ClinVar:

NM_001018005.2(TPM1):c.535G>A (p.Ala179Thr)

Gene: TPM1 (tropomyosin 1; plus strand). Cytogenetic location: 15q22.2.
Variant type: single nucleotide variant.
Coding change: c.535G>A on transcript NM_001018005.2 (MANE Select); coding-DNA position 535, G replaced by A.
Protein change: p.Ala179Thr; replaces alanine 179 with threonine.
Molecular consequence: missense variant. On other transcripts: non-coding transcript variant (17).
Genome position (GRCh38, 1-based): chr15:63,060,911, G>A. VCF-style: chr15-63060911-G-A. GRCh37 (hg19) VCF-style: chr15-63353110-G-A.
Other names: c.535G>A, p.Ala179Thr (NM_001407328.1, NM_001407329.1, NM_001407330.1 and 20 more transcripts); c.427G>A, p.Ala143Thr (NM_001018008.2, NM_001301289.2, NM_001330344.2 and 9 more transcripts); c.661G>A, p.Ala221Thr (NM_001365778.1, NM_001407322.1, NM_001407323.1 and 1 more transcripts); short protein forms A221T, A143T, A179T.
Identifiers: ClinVar variation 4779218 (VCV004779218.1).

ClinVar aggregate classification (germline): Uncertain significance (1 of 4 stars; one submission).

Conditions:
Hypertrophic cardiomyopathy. Also called: HYPERTROPHIC MYOCARDIOPATHY. Identifiers: Orphanet 217569, MedGen C0007194, MeSH D002312, MONDO:0005045, HP:0001639.

gnomAD v4.1: 1 of 1,614,194 alleles (0.000062%); no homozygotes.

Submission:

Labcorp Genetics (formerly Invitae), Labcorp
Classification: Uncertain significance for Hypertrophic cardiomyopathy. Last evaluated: 2025-08-03. Review status: criteria provided, single submitter. Criteria: Invitae Variant Classification Sherloc (09022015). Collection method: clinical testing. Allele origin: germline.
Comment: This sequence change replaces alanine, which is neutral and non-polar, with threonine, which is neutral and polar, at codon 179 of the TPM1 protein (p.Ala179Thr). This variant is not present in population databases (gnomAD no frequency). This variant has not been reported in the literature in individuals affected with TPM1-related conditions. An algorithm developed to predict the effect of missense changes on protein structure and function (PolyPhen-2) suggests that this variant is likely to be disruptive. In summary, the available evidence is currently insufficient to determine the role of this variant in disease. Therefore, it has been classified as a Variant of Uncertain Significance.